The following is an entry in ClinVar:

NM_001353214.3(DYM):c.845A>G (p.Asn282Ser)

Gene: DYM (dymeclin; minus strand). Cytogenetic location: 18q21.1.
Variant type: single nucleotide variant.
Coding change: c.845A>G on transcript NM_001353214.3 (MANE Select); coding-DNA position 845, A replaced by G.
Protein change: p.Asn282Ser; replaces asparagine 282 with serine.
Molecular consequence: missense variant. On other transcripts: intron variant (1).
Genome position (GRCh38, 1-based): chr18:49,286,535, T>C on the plus strand (A>G on the coding strand, the complement: DYM is on the minus strand). VCF-style: chr18-49286535-T-C. GRCh37 (hg19) VCF-style: chr18-46812905-T-C.
Other names: c.842A>G, p.Asn281Ser (NM_001353210.3, NM_001353211.3, NM_001353212.3 and 3 more transcripts); c.845A>G, p.Asn282Ser (NM_001353215.3, NM_001353216.3, NM_001374428.1 and 5 more transcripts); c.839A>G, p.Asn280Ser (NM_001374429.1, NM_001374439.1); c.719A>G, p.Asn240Ser (NM_001374432.1, NM_001374436.1); c.617A>G, p.Asn206Ser (NM_001374440.1); c.275A>G, p.Asn92Ser (NM_001374441.1, NM_001374442.1, NM_001374444.1); c.272A>G, p.Asn91Ser (NM_001374443.1); c.764-4360A>G (NM_001374437.1); and 1 more; short protein forms N206S, N281S, N92S, N240S, N282S, N280S, N91S.
Identifiers: ClinVar variation 1488135 (VCV001488135.8), dbSNP rs773725778, ClinGen allele CA8958235.

ClinVar aggregate classification (germline): Uncertain significance. Review status: criteria provided, multiple submitters, no conflicts (2 of 4 stars). 2 submissions from 2 submitters: Uncertain significance (2). Last evaluated 2024-10-22.

Conditions:
Inborn genetic diseases. Identifiers: MedGen C0950123, MeSH D030342.

Allele frequency attached by ClinVar (database versions not stated): ExAC 0.00001; gnomAD 0.00002; gnomAD exomes 0.00002; TOPMed 0.00002.
gnomAD v4.1: 44 of 1,614,006 alleles (0.0027%); highest among the groups gnomAD compares: Non-Finnish European, 0.0034%; no homozygotes.

Submissions (2):

Labcorp Genetics (formerly Invitae), Labcorp
Classification: Uncertain significance. Last evaluated: 2024-10-22. Review status: criteria provided, single submitter. Criteria: Invitae Variant Classification Sherloc (09022015). Collection method: clinical testing. Allele origin: germline.
Comment: This sequence change replaces asparagine, which is neutral and polar, with serine, which is neutral and polar, at codon 282 of the DYM protein (p.Asn282Ser). This variant is present in population databases (rs773725778, gnomAD 0.006%). This variant has not been reported in the literature in individuals affected with DYM-related conditions. ClinVar contains an entry for this variant (Variation ID: 1488135). Invitae Evidence Modeling of protein sequence and biophysical properties (such as structural, functional, and spatial information, amino acid conservation, physicochemical variation, residue mobility, and thermodynamic stability) indicates that this missense variant is not expected to disrupt DYM protein function with a negative predictive value of 80%. In summary, the available evidence is currently insufficient to determine the role of this variant in disease. Therefore, it has been classified as a Variant of Uncertain Significance.

Ambry Genetics
Classification: Uncertain significance for Inborn genetic diseases. Last evaluated: 2024-03-19. Review status: criteria provided, single submitter. Criteria: Ambry Variant Classification Scheme 2023. Collection method: clinical testing. Allele origin: germline.